The following is an entry in ClinVar:

ClinVar aggregate classification (germline): Uncertain significance (1 of 4 stars; one submission).

Submission:

GeneDx
Classification: Uncertain significance. Last evaluated: 2022-06-17. Review status: criteria provided, single submitter. Criteria: GeneDx Variant Classification Process June 2021. Collection method: clinical testing. Allele origin: germline. Affected: yes.
Comment: Not observed at significant frequency in large population cohorts (gnomAD); In silico analysis supports that this missense variant does not alter protein structure/function; Has not been previously published as pathogenic or benign to our knowledge

NM_001039591.3(USP9X):c.4316C>G (p.Ala1439Gly)

Gene: USP9X (ubiquitin specific peptidase 9 X-linked; plus strand). Cytogenetic location: Xp11.4.
Variant type: single nucleotide variant.
Coding change: c.4316C>G on transcript NM_001039591.3 (MANE Select); coding-DNA position 4316, C replaced by G.
Protein change: p.Ala1439Gly; replaces alanine 1439 with glycine.
Molecular consequence: missense variant.
Genome position (GRCh38, 1-based): chrX:41,197,446, C>G. VCF-style: chrX-41197446-C-G. GRCh37 (hg19) VCF-style: chrX-41056699-C-G.
Other names: c.4316C>G, p.Ala1439Gly (NM_001039590.3); c.4331C>G, p.Ala1444Gly (NM_001410748.1, NM_001410749.1); short protein forms A1439G, A1444G.
Identifiers: ClinVar variation 1804605 (VCV001804605.1), dbSNP rs2519312030, ClinGen allele CA412773577.
Genomic context (GRCh38, chrX:41,197,446, plus strand): 5'-AAACGGGTATTGAAGAGACGATCTTAGAGGGCCACCTTGGAGTGACAAAGGAGTTACTGG[C>G]CTTTCAAACTTCTGAGAAAAAATTTCATATTGGTTGTGAAAAAGGAGGTGCTAATCTCAT-3'
Protein context (NP_001034680.2, residues 1429-1449): GHLGVTKELL[Ala1439Gly]FQTSEKKFHI